The following is an entry in ClinVar:

NM_182914.3(SYNE2):c.16572_16574del (p.His5524del)

Gene: SYNE2 (spectrin repeat containing nuclear envelope protein 2; plus strand). Cytogenetic location: 14q23.2.
Variant type: Deletion.
Coding change: c.16572_16574del on transcript NM_182914.3 (MANE Select); coding-DNA positions 16572 to 16574, 3 bases deleted (CCA; older notation c.16572_16574delCCA).
Protein change: p.His5524del; deletes histidine 5524.
Molecular consequence: inframe deletion.
Genome position (GRCh38, 1-based): chr14:64,165,377-64,165,379, CCA deleted; deleting any 3 consecutive bases within chr14:64,165,375-64,165,379 gives the same sequence; the c. name uses the placement nearest the transcript's 3' end. VCF-style (leftmost placement, unchanged base first): chr14-64165374-TCAC-T. GRCh37 (hg19) VCF-style: chr14-64632092-TCAC-T.
Other names: c.16572_16574del, p.His5524del (NM_015180.6); short protein forms H5524del.
Identifiers: ClinVar variation 1437157 (VCV001437157.8), dbSNP rs1176126760, ClinGen allele CA614411296.

ClinVar aggregate classification (germline): Uncertain significance (1 of 4 stars; one submission).

Conditions:
Emery-Dreifuss muscular dystrophy 5, autosomal dominant (EDMD5). Also called: EMERY-DREIFUSS MUSCULAR DYSTROPHY 5. Identifiers: Orphanet 261, MedGen C2751805, MONDO:0013072, OMIM 612999.

Submission:

Labcorp Genetics (formerly Invitae), Labcorp
Classification: Uncertain significance for Emery-Dreifuss muscular dystrophy 5, autosomal dominant. Last evaluated: 2024-01-17. Review status: criteria provided, single submitter. Criteria: Invitae Variant Classification Sherloc (09022015). Collection method: clinical testing. Allele origin: germline.
Comment: This variant, c.16572_16574del, results in the deletion of 1 amino acid(s) of the SYNE2 protein (p.His5524del), but otherwise preserves the integrity of the reading frame. This variant is present in population databases (no rsID available, gnomAD 0.006%). This variant has not been reported in the literature in individuals affected with SYNE2-related conditions. ClinVar contains an entry for this variant (Variation ID: 1437157). Experimental studies and prediction algorithms are not available or were not evaluated, and the functional significance of this variant is currently unknown. In summary, the available evidence is currently insufficient to determine the role of this variant in disease. Therefore, it has been classified as a Variant of Uncertain Significance.